The following is an entry in ClinVar:

ClinVar aggregate classification (germline): Pathogenic (1 of 4 stars; one submission).

Submission:

Labcorp Genetics (formerly Invitae), Labcorp
Classification: Pathogenic. Last evaluated: 2025-10-02. Review status: criteria provided, single submitter. Criteria: Invitae Variant Classification Sherloc (09022015). Collection method: clinical testing. Allele origin: germline.
Comment: This sequence change is expected to alter the c-terminus of the WNT1 protein (p.Leu236Argfs*157). While this is not anticipated to result in nonsense mediated decay, it is expected to disrupt the last 135 amino acid(s) of the WNT1 protein and extend the protein by 21 additional amino acid residues. This variant is not present in population databases (gnomAD no frequency). This variant has not been reported in the literature in individuals affected with WNT1-related conditions. ClinVar contains an entry for this variant (Variation ID: 2706200). This variant disrupts a region of the WNT1 protein in which other variant(s) (p.Val355Phe) have been determined to be pathogenic (PMID: 23434763, 25010833). This suggests that this is a clinically significant region of the protein, and that variants that disrupt it are likely to be disease-causing. For these reasons, this variant has been classified as Pathogenic.

Literature cited by the submitters: PubMed 23434763; PubMed 25010833.

NM_005430.4(WNT1):c.707del (p.Leu236fs)

Gene: WNT1 (Wnt family member 1; plus strand). Cytogenetic location: 12q13.12.
Variant type: Deletion.
Coding change: c.707del on transcript NM_005430.4 (MANE Select); coding-DNA position 707, one base deleted (T; older notation c.707delT).
Protein change: p.Leu236fs; shifts the reading frame from leucine 236.
Molecular consequence: frameshift variant.
Genome position (GRCh38, 1-based): chr12:48,981,234, T deleted. VCF-style (leftmost placement, unchanged base first): chr12-48981233-CT-C. GRCh37 (hg19) VCF-style: chr12-49375016-CT-C.
Other names: short protein forms L236fs.
Identifiers: ClinVar variation 2706200 (VCV002706200.3), dbSNP rs2498948534, ClinGen allele CA2697559188.